The following is an entry in ClinVar:

ClinVar aggregate classification (germline): Pathogenic (1 of 4 stars; one submission).

Conditions:
Charcot-Marie-Tooth disease type 2. Also called: Charcot-Marie-Tooth type 2. Identifiers: Orphanet 64746, MedGen C0270914, MONDO:0018993.

Submission:

Labcorp Genetics (formerly Invitae), Labcorp
Classification: Pathogenic for Charcot-Marie-Tooth disease type 2. Last evaluated: 2023-06-30. Review status: criteria provided, single submitter. Criteria: Invitae Variant Classification Sherloc (09022015). Collection method: clinical testing. Allele origin: germline.
Comment: For these reasons, this variant has been classified as Pathogenic. This variant has not been reported in the literature in individuals affected with MFN2-related conditions. This variant is a gross deletion of the genomic region encompassing exon(s) 3-14 of the MFN2 gene, which includes the initiator codon. This deletion extends beyond the assayed region for this gene and therefore may encompass additional genes. It is expected to result in an absent or disrupted protein product. Loss-of-function variants in MFN2 are known to be pathogenic (PMID: 16714318, 16835246, 21715711, 23781337, 26955893).

Literature cited by the submitters: PubMed 16714318; PubMed 16835246; PubMed 21715711; PubMed 23781337; PubMed 26955893.

NC_000001.10:g.(?_12049226)_(12065004_?)del

Gene: MFN2 (mitofusin 2; plus strand). Cytogenetic location: 1p36.22.
Variant type: Deletion.
Identifiers: ClinVar variation 2425996 (VCV002425996.4).